The following is an entry in ClinVar:

ClinVar aggregate classification (germline): Uncertain significance (1 of 4 stars; one submission).

Conditions:
Hereditary cancer-predisposing syndrome. Also called: Neoplastic Syndromes, Hereditary; Tumor predisposition; Hereditary Cancer Syndrome; Hereditary neoplastic syndrome. Identifiers: Orphanet 140162, MedGen C0027672, MeSH D009386, MONDO:0015356.

Submission:

Ambry Genetics
Classification: Uncertain significance for Hereditary cancer-predisposing syndrome. Last evaluated: 2025-06-17. Review status: criteria provided, single submitter. Criteria: Ambry Variant Classification Scheme 2023. Collection method: clinical testing. Allele origin: germline.
Comment: The p.E296K variant (also known as c.886G>A), located in coding exon 4 of the BARD1 gene, results from a G to A substitution at nucleotide position 886. The glutamic acid at codon 296 is replaced by lysine, an amino acid with similar properties. This amino acid position is conserved. In addition, this alteration is predicted to be tolerated by in silico analysis. Based on the available evidence, the clinical significance of this variant remains unclear.

NM_000465.4(BARD1):c.886G>A (p.Glu296Lys)

Gene: BARD1 (BRCA1 associated RING domain 1; minus strand). Cytogenetic location: 2q35.
Variant type: single nucleotide variant.
Coding change: c.886G>A on transcript NM_000465.4 (MANE Select); coding-DNA position 886, G replaced by A.
Protein change: p.Glu296Lys; replaces glutamic acid 296 with lysine.
Molecular consequence: missense variant. On other transcripts: non-coding transcript variant (2), intron variant (3).
Genome position (GRCh38, 1-based): chr2:214,780,988, C>T on the plus strand (G>A on the coding strand, the complement: BARD1 is on the minus strand). VCF-style: chr2-214780988-C-T. GRCh37 (hg19) VCF-style: chr2-215645712-C-T.
Other names: c.829G>A, p.Glu277Lys (NM_001282543.2); c.158+28424G>A (NM_001282548.2); c.215+16073G>A (NM_001282545.2); c.364+11309G>A (NM_001282549.2); short protein forms E277K, E296K.
Identifiers: ClinVar variation 4195701 (VCV004195701.1).
Genomic context (GRCh38, chr2:214,780,988, plus strand): 5'-ATGGCAAAGATTTCTTAGATGTAAGATAATTTTTGCAGACCTTCTCAGGAGTCACTACTT[C>T]ATTCCTGCTCTTAGTGTCTGGAGACTCTATTTGCTCAGCCAATGGTAAAGAGACTTCAGT-3'
Protein context (NP_000456.2, residues 286-306): IESPDTKSRN[Glu296Lys]VVTPEKVCKN